The following is an entry in ClinVar:

NM_000052.7(ATP7A):c.2199del (p.Gln734fs)

Gene: ATP7A (ATPase copper transporting alpha; plus strand). Cytogenetic location: Xq21.1.
Variant type: Deletion.
Coding change: c.2199del on transcript NM_000052.7 (MANE Select); coding-DNA position 2199, one base deleted (T; older notation c.2199delT).
Protein change: p.Gln734fs; shifts the reading frame from glutamine 734.
Molecular consequence: frameshift variant. On other transcripts: intron variant (1).
Genome position (GRCh38, 1-based): chrX:78,012,905, T deleted; the last of 2 consecutive T bases (chrX:78,012,904-78,012,905); deleting either gives the same sequence. VCF-style (leftmost placement, unchanged base first): chrX-78012903-AT-A. GRCh37 (hg19) VCF-style: chrX-77268400-AT-A.
Other names: c.2199delT (NM_000052.7); c.2172+1231del (NM_001282224.2); short protein forms Q734fs.
Identifiers: ClinVar variation 3629873 (VCV003629873.1).

ClinVar aggregate classification (germline): Pathogenic (1 of 4 stars; one submission).

Conditions:
Menkes kinky-hair syndrome (MNK). Also called: Classic Menkes Disease; Copper transport disease; Menkes Disease. Identifiers: Orphanet 565, MedGen C0022716, MONDO:0010651, OMIM 309400.

Submission:

Women's Health and Genetics/Laboratory Corporation of America, LabCorp
Classification: Pathogenic for Menkes kinky-hair syndrome. Last evaluated: 2024-11-03. Review status: criteria provided, single submitter. Criteria: LabCorp Variant Classification Summary - May 2015. Collection method: clinical testing. Allele origin: germline.
Comment: Variant summary: ATP7A c.2199delT (p.Gln734ArgfsX6) results in a premature termination codon, predicted to cause a truncation of the encoded protein or absence of the protein due to nonsense mediated decay, which are commonly known mechanisms for disease. The variant was absent in 183342 control chromosomes. To our knowledge, no occurrence of c.2199delT in individuals affected with Menkes kinky-hair syndrome and no experimental evidence demonstrating its impact on protein function have been reported. No submitters have cited clinical-significance assessments for this variant to ClinVar. Based on the evidence outlined above, the variant was classified as pathogenic.